The following is an entry in ClinVar:

ClinVar aggregate classification (germline): Likely benign. Review status: criteria provided, multiple submitters, no conflicts (2 of 4 stars). 3 submissions from 3 submitters: Likely benign (3). Last evaluated 2025-06-01.

Conditions:
Hereditary pulmonary alveolar proteinosis. Also called: Pulmonary surfactant metabolism dysfunction. Identifiers: Orphanet 264675, MedGen C3711368, MONDO:0012580.

Allele frequency attached by ClinVar (database versions not stated): gnomAD 0.00001; TOPMed 0.00001; ESP Exome Variant Server 0.00008.
gnomAD v4.1: 15 of 1,613,558 alleles (0.00093%); highest among the groups gnomAD compares: Admixed American, 0.012%; no homozygotes.

Submissions (3):

CeGaT Center for Human Genetics Tuebingen
Classification: Likely benign. Last evaluated: 2025-06-01. Review status: criteria provided, single submitter. Criteria: CeGaT Center For Human Genetics Tuebingen Variant Classification Criteria Version 2. Collection method: clinical testing. Allele origin: germline. Affected: yes. Observed: 1 variant allele.
Comment: ABCA3: BP4, BP7

Labcorp Genetics (formerly Invitae), Labcorp
Classification: Likely benign. Last evaluated: 2023-10-23. Review status: criteria provided, single submitter. Criteria: Invitae Variant Classification Sherloc (09022015). Collection method: clinical testing. Allele origin: germline.

Ambry Genetics
Classification: Likely benign for Hereditary pulmonary alveolar proteinosis. Last evaluated: 2020-12-30. Review status: criteria provided, single submitter. Criteria: Ambry Variant Classification Scheme 2023. Collection method: clinical testing. Allele origin: germline.

NM_001089.3(ABCA3):c.3837C>T (p.Val1279=)

Gene: ABCA3 (ATP binding cassette subfamily A member 3; minus strand). Cytogenetic location: 16p13.3.
Variant type: single nucleotide variant.
Coding change: c.3837C>T on transcript NM_001089.3 (MANE Select); coding-DNA position 3837, C replaced by T.
Protein change: p.Val1279=; no amino-acid change (valine 1279 retained).
Molecular consequence: synonymous variant.
Genome position (GRCh38, 1-based): chr16:2,284,304, G>A on the plus strand (C>T on the coding strand, the complement: ABCA3 is on the minus strand). VCF-style: chr16-2284304-G-A. GRCh37 (hg19) VCF-style: chr16-2334305-G-A.
Identifiers: ClinVar variation 1735391 (VCV001735391.15), dbSNP rs377568144, ClinGen allele CA7840377.